The following is an entry in ClinVar:

NM_031475.3(ESPN):c.871C>G (p.Leu291Val)

Gene: ESPN (espin; plus strand). Cytogenetic location: 1p36.31.
Variant type: single nucleotide variant.
Coding change: c.871C>G on transcript NM_031475.3 (MANE Select); coding-DNA position 871, C replaced by G.
Protein change: p.Leu291Val; replaces leucine 291 with valine.
Molecular consequence: missense variant.
Genome position (GRCh38, 1-based): chr1:6,440,946, C>G. VCF-style: chr1-6440946-C-G. GRCh37 (hg19) VCF-style: chr1-6501006-C-G.
Other names: c.871C>G, p.Leu291Val (NM_001367473.1, NM_001367474.1); short protein forms L291V.
Identifiers: ClinVar variation 929997 (VCV000929997.4), dbSNP rs1348183531, ClinGen allele CA338090812.

ClinVar aggregate classification (germline): Uncertain significance (1 of 4 stars; one submission).

Submission:

Laboratory for Molecular Medicine, Mass General Brigham Personalized Medicine
Classification: Uncertain significance. Last evaluated: 2019-11-06. Review status: criteria provided, single submitter. Criteria: LMM Criteria. Collection method: clinical testing. Allele origin: germline. Observed: 1 variant allele.
Comment: The p.Leu291Val variant in ESPN has not been previously reported in individuals with hearing loss and was absent from large population studies. Computational prediction tools and conservation analyses do not provide strong support for or against an impact to the protein. In summary, the clinical significance of this variant is uncertain. ACMG/AMP Criteria applied: PM2.